The following is an entry in ClinVar:

ClinVar aggregate classification (germline): Likely pathogenic. Review status: criteria provided, multiple submitters, no conflicts (2 of 4 stars). 4 submissions from 4 submitters: Likely pathogenic (4). Last evaluated 2025-05-08.

Conditions:
CDH23-related disorder. Also called: CDH23-related disorders; CDH23-related condition.
Pituitary adenoma 5, multiple types. Identifiers: MedGen C4539685, MONDO:0054601, OMIM 617540.
Usher syndrome type 1 (USH1). Also called: RETINITIS PIGMENTOSA AND CONGENITAL DEAFNESS. Identifiers: Orphanet 231169, Orphanet 886, MedGen C1568247, MONDO:0010168, OMIM 276900.

Allele frequency attached by ClinVar (database versions not stated): TOPMed below 0.00001; gnomAD 0.00001; gnomAD exomes 0.00001.
gnomAD v4.1: 9 of 1,555,108 alleles (0.00058%); highest among the groups gnomAD compares: Non-Finnish European, 0.0007%; no homozygotes.

Submissions (4):

Natera, Inc.
Classification: Likely pathogenic for Usher syndrome type 1. Last evaluated: 2025-05-08. Review status: criteria provided, single submitter. Criteria: Natera Variant Classification Schema (03/2026). Collection method: clinical testing. Allele origin: germline.
Comment: The c.1752+1G>A variant in CDH23 is a canonical splice donor site variant predicted to affect pre-mRNA splicing, which may result in an abnormal transcript and altered protein product. This variant is expected to result in nonsense mediated decay, truncation, or a dysfunctional protein product. This variant is rare in the general population with a frequency below the threshold expected for the associated phenotype(s). Given the available evidence, this variant is classified as Likely Pathogenic.

Labcorp Genetics (formerly Invitae), Labcorp
Classification: Likely pathogenic. Last evaluated: 2023-11-17. Review status: criteria provided, single submitter. Criteria: Invitae Variant Classification Sherloc (09022015). Collection method: clinical testing. Allele origin: germline.
Comment: This sequence change affects a donor splice site in intron 16 of the CDH23 gene. It is expected to disrupt RNA splicing. Variants that disrupt the donor or acceptor splice site typically lead to a loss of protein function (PMID: 16199547), and loss-of-function variants in CDH23 are known to be pathogenic (PMID: 11138009, 21940737). This variant is not present in population databases (gnomAD no frequency). This variant has not been reported in the literature in individuals affected with CDH23-related conditions. ClinVar contains an entry for this variant (Variation ID: 1067771). Algorithms developed to predict the effect of sequence changes on RNA splicing suggest that this variant may disrupt the consensus splice site. In summary, the currently available evidence indicates that the variant is pathogenic, but additional data are needed to prove that conclusively. Therefore, this variant has been classified as Likely Pathogenic.

Blueprint Genetics
Classification: Likely pathogenic for CDH23-related disorders. Last evaluated: 2023-09-12. Review status: criteria provided, single submitter. Criteria: ACMG Guidelines, 2015. Collection method: clinical testing. Allele origin: germline. Affected: yes. Observed: 2 variant alleles.

Baylor Genetics
Classification: Likely pathogenic for Pituitary adenoma 5, multiple types. Last evaluated: 2023-05-31. Review status: criteria provided, single submitter. Criteria: ACMG Guidelines, 2015. Collection method: clinical testing. Allele origin: unknown.

Literature cited by the submitters: PubMed 16199547 (cited by Labcorp Genetics (formerly Invitae), Labcorp); PubMed 11138009 (cited by Labcorp Genetics (formerly Invitae), Labcorp); PubMed 21940737 (cited by Labcorp Genetics (formerly Invitae), Labcorp).

NM_022124.6(CDH23):c.1752+1G>A

Gene: CDH23 (cadherin related 23; plus strand). Cytogenetic location: 10q22.1.
Variant type: single nucleotide variant.
Coding change: c.1752+1G>A on transcript NM_022124.6 (MANE Select); the canonical splice donor site of the intron after coding-DNA position 1752, G replaced by A.
Molecular consequence: splice donor variant.
Genome position (GRCh38, 1-based): chr10:71,677,694, G>A. VCF-style: chr10-71677694-G-A. GRCh37 (hg19) VCF-style: chr10-73437451-G-A.
Other names: c.1752+1G>A (NM_001171930.2, NM_001171931.2, NM_022124.5).
Identifiers: ClinVar variation 1067771 (VCV001067771.11), dbSNP rs1347367555, ClinGen allele CA377130751.